The following is an entry in ClinVar:

NM_003060.4(SLC22A5):c.1303G>A (p.Gly435Ser)

Gene: SLC22A5 (solute carrier family 22 member 5; plus strand). Cytogenetic location: 5q31.1.
Variant type: single nucleotide variant.
Coding change: c.1303G>A on transcript NM_003060.4 (MANE Select); coding-DNA position 1303, G replaced by A.
Protein change: p.Gly435Ser; replaces glycine 435 with serine.
Molecular consequence: missense variant.
Genome position (GRCh38, 1-based): chr5:132,392,468, G>A. VCF-style: chr5-132392468-G-A. GRCh37 (hg19) VCF-style: chr5-131728160-G-A.
Other names: c.1375G>A, p.Gly459Ser (NM_001308122.2); short protein forms G435S, G459S.
Identifiers: ClinVar variation 2146876 (VCV002146876.2), dbSNP rs772169460, ClinGen allele CA3404130.

ClinVar aggregate classification (germline): Uncertain significance (1 of 4 stars; one submission).

Conditions:
Renal carnitine transport defect (CDSP). Also called: Primary carnitine deficiency; Systemic primary carnitine deficiency disease; Systemic primary carnitine deficiency; Carnitine transporter deficiency; Carnitine Deficiency, Systemic; CARNITINE DEFICIENCY, SYSTEMIC, DUE TO DEFECT IN RENAL REABSORPTION OF CARNITINE. Identifiers: Orphanet 158, MedGen C0342788, MONDO:0008919, OMIM 212140.

Allele frequency attached by ClinVar (database versions not stated): gnomAD exomes below 0.00001; TOPMed below 0.00001; ExAC 0.00001; gnomAD 0.00001.
gnomAD v4.1: 6 of 1,614,050 alleles (0.00037%); highest among the groups gnomAD compares: Non-Finnish European, 0.00042%; no homozygotes.

Submission:

Labcorp Genetics (formerly Invitae), Labcorp
Classification: Uncertain significance for Renal carnitine transport defect. Last evaluated: 2026-02-02. Review status: criteria provided, single submitter. Criteria: Invitae Variant Classification Sherloc (09022015). Collection method: clinical testing. Allele origin: germline.
Comment: This sequence change replaces glycine, which is neutral and non-polar, with serine, which is neutral and polar, at codon 435 of the SLC22A5 protein (p.Gly435Ser). This variant is present in population databases (rs772169460, gnomAD 0.0009%). This variant has not been reported in the literature in individuals affected with SLC22A5-related conditions. ClinVar contains an entry for this variant (Variation ID: 2146876). Invitae Evidence Modeling of protein sequence and biophysical properties (such as structural, functional, and spatial information, amino acid conservation, physicochemical variation, residue mobility, and thermodynamic stability) indicates that this missense variant is expected to disrupt SLC22A5 protein function with a positive predictive value of 95%. In summary, the available evidence is currently insufficient to determine the role of this variant in disease. Therefore, it has been classified as a Variant of Uncertain Significance.